The following is an entry in ClinVar:

NM_001164508.2(NEB):c.11339C>A (p.Ala3780Asp)

Gene: NEB (nebulin; minus strand). Cytogenetic location: 2q23.3.
Variant type: single nucleotide variant.
Coding change: c.11339C>A on transcript NM_001164508.2 (MANE Select); coding-DNA position 11339, C replaced by A.
Protein change: p.Ala3780Asp; replaces alanine 3780 with aspartic acid.
Molecular consequence: missense variant.
Genome position (GRCh38, 1-based): chr2:151,614,538, G>T on the plus strand (C>A on the coding strand, the complement: NEB is on the minus strand). VCF-style: chr2-151614538-G-T. GRCh37 (hg19) VCF-style: chr2-152471052-G-T.
Other names: c.11339C>A, p.Ala3780Asp (NM_001164507.2, NM_001271208.2); c.10610C>A, p.Ala3537Asp (NM_004543.5); short protein forms A3537D, A3780D.
Identifiers: ClinVar variation 1720983 (VCV001720983.3), dbSNP rs2552230137, ClinGen allele CA348782303.
Genomic context (GRCh38, chr2:151,614,538, plus strand): 5'-CTCTGGATCTTGGCCACATGGATGGACCACATCATCTTCGGGTCATCCTTAATGTTCCGG[G>T]CCCCAATATGGTGGCCAAGCTGTTTGCGGTAGCCTTCCTTGTACTTGTACTAAAAAAATA-3'
Protein context (NP_001157980.2, residues 3770-3790): YRKQLGHHIG[Ala3780Asp]RNIKDDPKMM

ClinVar aggregate classification (germline): Uncertain significance (1 of 4 stars; one submission).

Conditions:
Nemaline myopathy 2 (NEM2). Also called: Nemaline myopathy 2, autosomal recessive. Identifiers: MedGen C1850569, MONDO:0009725, OMIM 256030.

Submission:

Labcorp Genetics (formerly Invitae), Labcorp
Classification: Uncertain significance for Nemaline myopathy 2. Last evaluated: 2022-10-11. Review status: criteria provided, single submitter. Criteria: Invitae Variant Classification Sherloc (09022015). Collection method: clinical testing. Allele origin: germline.
Comment: This sequence change replaces alanine, which is neutral and non-polar, with aspartic acid, which is acidic and polar, at codon 3780 of the NEB protein (p.Ala3780Asp). This variant is not present in population databases (gnomAD no frequency). This variant has not been reported in the literature in individuals affected with NEB-related conditions. Algorithms developed to predict the effect of missense changes on protein structure and function are either unavailable or do not agree on the potential impact of this missense change (SIFT: "Deleterious"; PolyPhen-2: "Not Available"; Align-GVGD: "Class C0"). In summary, the available evidence is currently insufficient to determine the role of this variant in disease. Therefore, it has been classified as a Variant of Uncertain Significance.